The following is an entry in ClinVar:

ClinVar aggregate classification (germline): Benign (1 of 4 stars; one submission).

Conditions:
Familial adenomatous polyposis 1 (FAP1). Also called: POLYPOSIS, ADENOMATOUS INTESTINAL; FAMILIAL ADENOMATOUS POLYPOSIS 1, ATTENUATED. Identifiers: MedGen C2713442, MONDO:0021056, OMIM 175100. Disease mechanism: loss of function.

Submission:

Myriad Genetics, Inc.
Classification: Benign for Familial adenomatous polyposis 1. Last evaluated: 2024-03-04. Review status: criteria provided, single submitter. Criteria: Myriad Autosomal Dominant, Autosomal Recessive and X-Linked Classification Criteria (2023). Collection method: clinical testing. Allele origin: unknown.
Comment: This variant is considered benign. This variant is a silent/synonymous amino acid change and it is not expected to impact splicing.

NM_000038.6(APC):c.1518A>T (p.Thr506=)

Gene: APC (APC regulator of Wnt signaling pathway; plus strand). Cytogenetic location: 5q22.2.
Variant type: single nucleotide variant.
Coding change: c.1518A>T on transcript NM_000038.6 (MANE Select); coding-DNA position 1518, A replaced by T.
Protein change: p.Thr506=; no amino-acid change (threonine 506 retained).
Molecular consequence: synonymous variant.
Genome position (GRCh38, 1-based): chr5:112,827,217, A>T. VCF-style: chr5-112827217-A-T. GRCh37 (hg19) VCF-style: chr5-112162914-A-T.
Other names: c.1518A>T, p.Thr506= (NM_001127510.3, NM_001354895.2, NM_001407450.1); c.1464A>T, p.Thr488= (NM_001127511.3); c.1572A>T, p.Thr524= (NM_001354896.2, NM_001407447.1, NM_001407448.1 and 1 more transcripts); c.1548A>T, p.Thr516= (NM_001354897.2); c.1443A>T, p.Thr481= (NM_001354898.2); c.1434A>T, p.Thr478= (NM_001354899.2); c.1395A>T, p.Thr465= (NM_001354900.2); c.1341A>T, p.Thr447= (NM_001354901.2, NM_001407453.1); and 11 more.
Identifiers: ClinVar variation 3148434 (VCV003148434.1), dbSNP rs2149810093, ClinGen allele CA445756100.
Genomic context (GRCh38, chr5:112,827,217, plus strand): 5'-TGGGCTTACTAATGACCACTACAGTATTACACTAAGACGATATGCTGGAATGGCTTTGAC[A>T]AACTTGACTTTTGGAGATGTAGCCAACAAGGTATGTTTTTATAACATGTATTTCTTAAGA-3'
Protein context (NP_000029.2, residues 496-516): TLRRYAGMAL[Thr506=]NLTFGDVANK